The following is an entry in ClinVar:

NM_004656.4(BAP1):c.1551del (p.Arg518fs)

Gene: BAP1 (BRCA1 associated deubiquitinase 1; minus strand). Cytogenetic location: 3p21.1.
Variant type: Deletion.
Coding change: c.1551del on transcript NM_004656.4 (MANE Select); coding-DNA position 1551, one base deleted (G; older notation c.1551delG).
Protein change: p.Arg518fs; shifts the reading frame from arginine 518.
Molecular consequence: frameshift variant.
Genome position (GRCh38, 1-based): chr3:52,403,594, C deleted on the plus strand (G on the coding strand, the reverse complement: BAP1 is on the minus strand). VCF-style (leftmost placement, unchanged base first): chr3-52403593-GC-G. GRCh37 (hg19) VCF-style: chr3-52437609-GC-G.
Other names: c.1497del, p.Arg500fs (NM_001410772.1); short protein forms R500fs, R518fs.
Identifiers: ClinVar variation 3689383 (VCV003689383.4).

ClinVar aggregate classification (germline): Pathogenic. Review status: criteria provided, multiple submitters, no conflicts (2 of 4 stars). 3 submissions from 3 submitters: Pathogenic (3). Last evaluated 2026-03-06.

Conditions:
BAP1-related tumor predisposition syndrome (TPDS1). Also called: Tumor susceptibility linked to germline BAP1 mutations; COMMON Syndrome; TUMOR PREDISPOSITION SYNDROME 1; BAP1 tumor predisposition syndrome. Identifiers: Orphanet 289539, MedGen C3280492, MONDO:0013692, OMIM 614327.
Hereditary cancer-predisposing syndrome. Also called: Hereditary Cancer Syndrome; Neoplastic Syndromes, Hereditary; Tumor predisposition; Hereditary neoplastic syndrome. Identifiers: Orphanet 140162, MedGen C0027672, MeSH D009386, MONDO:0015356.

Submissions (3):

Ambry Genetics
Classification: Pathogenic for Hereditary cancer-predisposing syndrome. Last evaluated: 2026-03-06. Review status: criteria provided, single submitter. Criteria: Ambry Variant Classification Scheme 2023. Collection method: clinical testing. Allele origin: germline.
Comment: The c.1551delG pathogenic mutation, located in coding exon 13 of the BAP1 gene, results from a deletion of one nucleotide at nucleotide position 1551, causing a translational frameshift with a predicted alternate stop codon (p.R518Gfs*53). This variant was reported in individual(s) with features consistent with BAP1-related tumor predisposition syndrome (Ambry internal data). This variant is considered to be rare based on population cohorts in the Genome Aggregation Database (gnomAD). This alteration is expected to result in loss of function by premature protein truncation or nonsense-mediated mRNA decay. As such, this alteration is interpreted as a disease-causing mutation.

Myriad Genetics, Inc.
Classification: Pathogenic for BAP1-related tumor predisposition syndrome. Last evaluated: 2025-06-04. Review status: criteria provided, single submitter. Criteria: Myriad Autosomal Dominant, Autosomal Recessive and X-Linked Classification Criteria (2023). Collection method: clinical testing. Allele origin: unknown.
Comment: This variant is considered pathogenic. This variant creates a frameshift predicted to result in premature protein truncation.

Labcorp Genetics (formerly Invitae), Labcorp
Classification: Pathogenic for BAP1-related tumor predisposition syndrome. Last evaluated: 2024-02-15. Review status: criteria provided, single submitter. Criteria: Invitae Variant Classification Sherloc (09022015). Collection method: clinical testing. Allele origin: germline.
Comment: This sequence change creates a premature translational stop signal (p.Arg518Glyfs*53) in the BAP1 gene. It is expected to result in an absent or disrupted protein product. Loss-of-function variants in BAP1 are known to be pathogenic (PMID: 21874000, 23684012). This variant is not present in population databases (gnomAD no frequency). This variant has not been reported in the literature in individuals affected with BAP1-related conditions. For these reasons, this variant has been classified as Pathogenic.

Literature cited by the submitters: PubMed 21874000 (cited by Labcorp Genetics (formerly Invitae), Labcorp); PubMed 23684012 (cited by Labcorp Genetics (formerly Invitae), Labcorp).